The following is an entry in ClinVar:

NM_001792.5(CDH2):c.895G>A (p.Ala299Thr)

Gene: CDH2 (cadherin 2; minus strand). Cytogenetic location: 18q12.1.
Variant type: single nucleotide variant.
Coding change: c.895G>A on transcript NM_001792.5 (MANE Select); coding-DNA position 895, G replaced by A.
Protein change: p.Ala299Thr; replaces alanine 299 with threonine.
Molecular consequence: missense variant.
Genome position (GRCh38, 1-based): chr18:28,003,122, C>T on the plus strand (G>A on the coding strand, the complement: CDH2 is on the minus strand). VCF-style: chr18-28003122-C-T. GRCh37 (hg19) VCF-style: chr18-25583086-C-T.
Other names: c.895G>A (NM_001792.3); c.802G>A, p.Ala268Thr (NM_001308176.2); short protein forms A268T, A299T.
Identifiers: ClinVar variation 2185832 (VCV002185832.5), dbSNP rs892895034, ClinGen allele CA297917253.

ClinVar aggregate classification (germline): Uncertain significance. Review status: criteria provided, multiple submitters, no conflicts (2 of 4 stars). 2 submissions from 2 submitters: Uncertain significance (2). Last evaluated 2026-03-23.

Conditions:
Inborn genetic diseases. Identifiers: MedGen C0950123, MeSH D030342.

Allele frequency attached by ClinVar (database versions not stated): gnomAD 0.00001; TOPMed 0.00002; gnomAD exomes 0.00004.
gnomAD v4.1: 58 of 1,613,602 alleles (0.0036%); highest among the groups gnomAD compares: Non-Finnish European, 0.0046%; no homozygotes.

Submissions (2):

Ambry Genetics
Classification: Uncertain significance for Inborn genetic diseases. Last evaluated: 2026-03-23. Review status: criteria provided, single submitter. Criteria: Ambry Variant Classification Scheme 2023. Collection method: clinical testing. Allele origin: germline.
Comment: The p.A299T variant (also known as c.895G>A), located in coding exon 7 of the CDH2 gene, results from a G to A substitution at nucleotide position 895. The alanine at codon 299 is replaced by threonine, an amino acid with similar properties. This amino acid position is conserved. In addition, this alteration is predicted to be tolerated by in silico analysis. Based on the available evidence, the clinical significance of this variant remains unclear.

Labcorp Genetics (formerly Invitae), Labcorp
Classification: Uncertain significance. Last evaluated: 2025-09-14. Review status: criteria provided, single submitter. Criteria: Invitae Variant Classification Sherloc (09022015). Collection method: clinical testing. Allele origin: germline.
Comment: This sequence change replaces alanine, which is neutral and non-polar, with threonine, which is neutral and polar, at codon 299 of the CDH2 protein (p.Ala299Thr). This variant is present in population databases (no rsID available, gnomAD 0.004%). This variant has not been reported in the literature in individuals affected with CDH2-related conditions. ClinVar contains an entry for this variant (Variation ID: 2185832). An algorithm developed to predict the effect of missense changes on protein structure and function outputs the following: PolyPhen-2: "Benign". The threonine amino acid residue is found in multiple mammalian species, which suggests that this missense change does not adversely affect protein function. In summary, the available evidence is currently insufficient to determine the role of this variant in disease. Therefore, it has been classified as a Variant of Uncertain Significance.